The following is an entry in ClinVar:

NM_020365.5(EIF2B3):c.382C>A (p.Leu128Ile)

Gene: EIF2B3 (eukaryotic translation initiation factor 2B subunit gamma; minus strand). Cytogenetic location: 1p34.1.
Variant type: single nucleotide variant.
Coding change: c.382C>A on transcript NM_020365.5 (MANE Select); coding-DNA position 382, C replaced by A.
Protein change: p.Leu128Ile; replaces leucine 128 with isoleucine.
Molecular consequence: missense variant.
Genome position (GRCh38, 1-based): chr1:44,941,578, G>T on the plus strand (C>A on the coding strand, the complement: EIF2B3 is on the minus strand). VCF-style: chr1-44941578-G-T. GRCh37 (hg19) VCF-style: chr1-45407250-G-T.
Other names: c.382C>A, p.Leu128Ile (NM_001166588.3, NM_001261418.2); short protein forms L128I.
Identifiers: ClinVar variation 2076461 (VCV002076461.4), dbSNP rs965531974, ClinGen allele CA21780132.
Genomic context (GRCh38, chr1:44,941,578, plus strand): 5'-TCCCCTTTTGACCGGGAACAGGTTCTATGCTATCTTGGCCTTTTCTCATCAACATAGCAA[G>T]TGATGCATCATAAGCTCTAAACAGGTCCACAACCTCATGTAAGGCAACGTCTGTTATCAG-3'
Protein context (NP_065098.1, residues 118-138): VDLFRAYDAS[Leu128Ile]AMLMRKGQDS

ClinVar aggregate classification (germline): Uncertain significance (1 of 4 stars; one submission).

Allele frequency attached by ClinVar (database versions not stated): gnomAD exomes 0.00001.
gnomAD v4.1: 5 of 1,614,004 alleles (0.00031%); highest among the groups gnomAD compares: Non-Finnish European, 0.00034%; no homozygotes.

Submission:

Labcorp Genetics (formerly Invitae), Labcorp
Classification: Uncertain significance. Last evaluated: 2022-04-09. Review status: criteria provided, single submitter. Criteria: Invitae Variant Classification Sherloc (09022015). Collection method: clinical testing. Allele origin: germline.
Comment: This variant is not present in population databases (gnomAD no frequency). This variant has not been reported in the literature in individuals affected with EIF2B3-related conditions. Algorithms developed to predict the effect of missense changes on protein structure and function (SIFT, PolyPhen-2, Align-GVGD) all suggest that this variant is likely to be tolerated. In summary, the available evidence is currently insufficient to determine the role of this variant in disease. Therefore, it has been classified as a Variant of Uncertain Significance. This sequence change replaces leucine, which is neutral and non-polar, with isoleucine, which is neutral and non-polar, at codon 128 of the EIF2B3 protein (p.Leu128Ile).